The following is an entry in ClinVar:

NM_001267550.2(TTN):c.1129G>T (p.Glu377Ter)

Gene: TTN (titin; minus strand). Cytogenetic location: 2q31.2.
Variant type: single nucleotide variant.
Coding change: c.1129G>T on transcript NM_001267550.2 (MANE Select); coding-DNA position 1129, G replaced by T.
Protein change: p.Glu377Ter; replaces glutamic acid 377 with a stop codon.
Molecular consequence: nonsense.
Genome position (GRCh38, 1-based): chr2:178,795,038, C>A on the plus strand (G>T on the coding strand, the complement: TTN is on the minus strand). VCF-style: chr2-178795038-C-A. GRCh37 (hg19) VCF-style: chr2-179659765-C-A.
Other names: c.1129G>T, p.Glu377Ter (NM_001256850.1, NM_003319.4, NM_133378.4 and 3 more transcripts); short protein forms E377*.
Identifiers: ClinVar variation 3223192 (VCV003223192.3), dbSNP rs1012350596, ClinGen allele CA349518087.
Genomic context (GRCh38, chr2:178,795,038, plus strand): 5'-TGGCGGCAGCACCCGCAGCACCACTGATGGTCACTTGCTCCTGGACACCGTATCTCCCTT[C>A]CCATCTCTCTTCTGTCCTGATCTGAGTAGAGGTTGTCAGCGTTGTCTCTCTCATCTCAGC-3'

ClinVar aggregate classification (germline): Likely pathogenic. Review status: criteria provided, multiple submitters, no conflicts (2 of 4 stars). 2 submissions from 2 submitters: Likely pathogenic (2). Last evaluated 2025-04-03.

Conditions:
Cardiovascular phenotype. Identifiers: MedGen CN230736.
Autosomal recessive limb-girdle muscular dystrophy type 2J (LGMDR10). Also called: Limb-girdle muscular dystrophy, type 2J; MUSCULAR DYSTROPHY, LIMB-GIRDLE, AUTOSOMAL RECESSIVE 10. Identifiers: Orphanet 140922, MedGen C1837342, MONDO:0012127, OMIM 608807.
Dilated cardiomyopathy 1G (CMD1G). Identifiers: Orphanet 154, MedGen C1858763, MONDO:0011400, OMIM 604145.

Submissions (2):

Labcorp Genetics (formerly Invitae), Labcorp
Classification: Likely pathogenic for Dilated cardiomyopathy 1G; Autosomal recessive limb-girdle muscular dystrophy type 2J. Last evaluated: 2025-04-03. Review status: criteria provided, single submitter. Criteria: Invitae Variant Classification Sherloc (09022015). Collection method: clinical testing. Allele origin: germline.
Comment: This sequence change creates a premature translational stop signal (p.Glu377*) in the TTN gene. While this is not anticipated to result in nonsense mediated decay, it is expected to create a truncated TTN protein. This variant is not present in population databases (gnomAD no frequency). This variant has not been reported in the literature in individuals affected with TTN-related conditions. ClinVar contains an entry for this variant (Variation ID: 3223192). Algorithms developed to predict the effect of sequence changes on RNA splicing suggest that this variant may disrupt the consensus splice site. This variant is located in the Z band of TTN (PMID: 25589632). Truncating variants in this region have been reported in individuals affected with autosomal recessive centronuclear myopathy (PMID: 33449170, internal data). Truncating variants in this region have also been identified in individuals affected with autosomal dominant dilated cardiomyopathy and/or cardio-related conditions (PMID: 27869827, 32964742, internal data). In summary, the currently available evidence indicates that the variant is pathogenic, but additional data are needed to prove that conclusively. Therefore, this variant has been classified as Likely Pathogenic.

Ambry Genetics
Classification: Likely pathogenic for Cardiovascular phenotype. Last evaluated: 2025-03-05. Review status: criteria provided, single submitter. Criteria: Ambry Variant Classification Scheme 2023. Collection method: clinical testing. Allele origin: germline.
Comment: The p.E377* variant (also known as c.1129G>T), located in coding exon 6 of the TTN gene, results from a G to T substitution at nucleotide position 1129. This changes the amino acid from a glutamic acid to a stop codon within coding exon 6. This exon is located in the Z-disk region of the N2-B isoform of the titin protein and is constitutively expressed in TTN transcripts (percent spliced in or PSI 100%). This variant was reported in individual(s) with features consistent with dilated cardiomyopathy (DCM) (Ambry internal data). This variant is considered to be rare based on population cohorts in the Genome Aggregation Database (gnomAD). This variant is expected to result in loss of function by premature protein truncation or nonsense-mediated mRNA decay. While truncating variants in TTN are present in 1-3% of the general population, truncating variants in the A-band are the most common cause of dilated cardiomyopathy (Herman DS et al. N. Engl. J. Med., 2012 Feb;366:619-28; Roberts AM et al. Sci Transl Med, 2015 Jan;7:270ra6). TTN truncating variants encoded in constitutive exons (PSI >90%) have been found to be significantly associated with DCM regardless of their position in titin (Schafer S et al. Nat. Genet., 2017 01;49:46-53; Akhtar MM et al. Circ Heart Fail, 2020 Oct;13:e006832; Massier M et al. Clin Genet, 2025 Jan). Based on the majority of available evidence to date, this variant is likely to be pathogenic.

Literature cited by the submitters: PubMed 25589632 (cited by Labcorp Genetics (formerly Invitae), Labcorp); PubMed 33449170 (cited by Labcorp Genetics (formerly Invitae), Labcorp); PubMed 27869827 (cited by Labcorp Genetics (formerly Invitae), Labcorp); PubMed 32964742 (cited by Labcorp Genetics (formerly Invitae), Labcorp).